The following is an entry in ClinVar:

NM_001395413.1(POR):c.1129A>G (p.Ile377Val)

Gene: POR (cytochrome p450 oxidoreductase; plus strand). Cytogenetic location: 7q11.23.
Variant type: single nucleotide variant.
Coding change: c.1129A>G on transcript NM_001395413.1 (MANE Select); coding-DNA position 1129, A replaced by G.
Protein change: p.Ile377Val; replaces isoleucine 377 with valine.
Molecular consequence: missense variant.
Genome position (GRCh38, 1-based): chr7:75,984,848, A>G. VCF-style: chr7-75984848-A-G. GRCh37 (hg19) VCF-style: chr7-75614166-A-G.
Other names: c.1138A>G, p.Ile380Val (NM_000941.2, NM_000941.3); c.1129A>G, p.Ile377Val (NM_001367562.3, NM_001382657.2, NM_001382658.3 and 2 more transcripts); c.1183A>G, p.Ile395Val (NM_001382655.3); short protein forms I395V, I377V, I380V.
Identifiers: ClinVar variation 2012819 (VCV002012819.4), dbSNP rs1431760341, ClinGen allele CA367749325.

ClinVar aggregate classification (germline): Uncertain significance (1 of 4 stars; one submission).

Conditions:
Congenital adrenal hyperplasia due to cytochrome P450 oxidoreductase deficiency. Also called: DISORDERED STEROIDOGENESIS DUE TO POR DEFICIENCY. Identifiers: Orphanet 95699, MedGen C1860042, MONDO:0013310, OMIM 613571.

Allele frequency attached by ClinVar (database versions not stated): TOPMed below 0.00001.

Submission:

Labcorp Genetics (formerly Invitae), Labcorp
Classification: Uncertain significance for Congenital adrenal hyperplasia due to cytochrome P450 oxidoreductase deficiency. Last evaluated: 2022-07-01. Review status: criteria provided, single submitter. Criteria: Invitae Variant Classification Sherloc (09022015). Collection method: clinical testing. Allele origin: germline.
Comment: In summary, the available evidence is currently insufficient to determine the role of this variant in disease. Therefore, it has been classified as a Variant of Uncertain Significance. Algorithms developed to predict the effect of missense changes on protein structure and function (SIFT, PolyPhen-2, Align-GVGD) all suggest that this variant is likely to be disruptive. This variant has not been reported in the literature in individuals affected with POR-related conditions. This variant is not present in population databases (gnomAD no frequency). This sequence change replaces isoleucine, which is neutral and non-polar, with valine, which is neutral and non-polar, at codon 380 of the POR protein (p.Ile380Val).